The following is an entry in ClinVar:

ClinVar aggregate classification (germline): Likely benign. Review status: criteria provided, single submitter (1 of 4 stars). 2 submissions from 2 submitters: Likely benign (1). 1 of the submissions does not count toward it. Last evaluated 2026-01-13.

Conditions:
Familial infantile myasthenia (CMS6). Also called: Congenital myasthenic syndrome type 6; MYASTHENIC SYNDROME, CONGENITAL, 6, PRESYNAPTIC; MYASTHENIC SYNDROME, PRESYNAPTIC, CONGENITAL, ASSOCIATED WITH EPISODIC APNEA. Identifiers: Orphanet 590, MedGen C0393929, MONDO:0009689, OMIM 254210.
CHAT-related disorder. Also called: CHAT-related condition.

Allele frequency attached by ClinVar (database versions not stated): gnomAD exomes 0.00001; ExAC 0.00002; ESP Exome Variant Server 0.00008; gnomAD 0.00009 and 0.00010; TOPMed 0.00012.
gnomAD v4.1: 24 of 1,614,002 alleles (0.0015%); highest among the groups gnomAD compares: African/African-American, 0.031%; no homozygotes.

Submissions (2):

Labcorp Genetics (formerly Invitae), Labcorp
Classification: Likely benign for Familial infantile myasthenia. Last evaluated: 2026-01-13. Review status: criteria provided, single submitter. Criteria: Invitae Variant Classification Sherloc (09022015). Collection method: clinical testing. Allele origin: germline.

PreventionGenetics, part of Exact Sciences
Classification: Likely benign for CHAT-related condition. Last evaluated: 2021-01-11. Review status: no assertion criteria provided. Collection method: clinical testing. Allele origin: germline. Not counted in ClinVar's aggregate classification.
Comment: This variant is classified as likely benign based on ACMG/AMP sequence variant interpretation guidelines (Richards et al. 2015 PMID: 25741868, with internal and published modifications).

NM_020549.5(CHAT):c.474G>A (p.Gln158=)

Gene: CHAT (choline O-acetyltransferase; plus strand). Cytogenetic location: 10q11.23.
Variant type: single nucleotide variant.
Coding change: c.474G>A on transcript NM_020549.5 (MANE Select); coding-DNA position 474, G replaced by A.
Protein change: p.Gln158=; no amino-acid change (glutamine 158 retained).
Molecular consequence: synonymous variant.
Genome position (GRCh38, 1-based): chr10:49,619,811, G>A. VCF-style: chr10-49619811-G-A. GRCh37 (hg19) VCF-style: chr10-50827857-G-A.
Other names: c.120G>A, p.Gln40= (NM_001142929.2, NM_001142934.2, NM_020984.4 and 2 more transcripts); c.228G>A, p.Gln76= (NM_001142933.2); c.474G>A (NM_020549.4).
Identifiers: ClinVar variation 1082477 (VCV001082477.11), dbSNP rs143662656, ClinGen allele CA5497152.